The following is an entry in ClinVar:

ClinVar aggregate classification (germline): Uncertain significance. Review status: criteria provided, multiple submitters, no conflicts (2 of 4 stars). 2 submissions from 2 submitters: Uncertain significance (2). Last evaluated 2024-05-23.

Allele frequency attached by ClinVar (database versions not stated): TOPMed below 0.00001; gnomAD 0.00001.
gnomAD v4.1: 1 of 1,613,504 alleles (0.000062%); highest among the groups gnomAD compares: Non-Finnish European, 0.000085%; no homozygotes.

Submissions (2):

Labcorp Genetics (formerly Invitae), Labcorp
Classification: Uncertain significance. Last evaluated: 2024-05-23. Review status: criteria provided, single submitter. Criteria: Invitae Variant Classification Sherloc (09022015). Collection method: clinical testing. Allele origin: germline.
Comment: This sequence change replaces glutamic acid, which is acidic and polar, with alanine, which is neutral and non-polar, at codon 1857 of the MTOR protein (p.Glu1857Ala). This variant is not present in population databases (gnomAD no frequency). This variant has not been reported in the literature in individuals affected with MTOR-related conditions. ClinVar contains an entry for this variant (Variation ID: 1018851). Advanced modeling of protein sequence and biophysical properties (such as structural, functional, and spatial information, amino acid conservation, physicochemical variation, residue mobility, and thermodynamic stability) performed at Invitae indicates that this missense variant is not expected to disrupt MTOR protein function with a negative predictive value of 95%. In summary, the available evidence is currently insufficient to determine the role of this variant in disease. Therefore, it has been classified as a Variant of Uncertain Significance.

Genetic Services Laboratory, University of Chicago
Classification: Uncertain significance. Last evaluated: 2017-08-07. Review status: criteria provided, single submitter. Criteria: ACMG Guidelines, 2015. Collection method: clinical testing. Allele origin: germline. Affected: no.

NM_004958.4(MTOR):c.5570A>C (p.Glu1857Ala)

Gene: MTOR (mechanistic target of rapamycin kinase; minus strand). Cytogenetic location: 1p36.22.
Variant type: single nucleotide variant.
Coding change: c.5570A>C on transcript NM_004958.4 (MANE Select); coding-DNA position 5570, A replaced by C.
Protein change: p.Glu1857Ala; replaces glutamic acid 1857 with alanine.
Molecular consequence: missense variant.
Genome position (GRCh38, 1-based): chr1:11,130,572, T>G on the plus strand (A>C on the coding strand, the complement: MTOR is on the minus strand). VCF-style: chr1-11130572-T-G. GRCh37 (hg19) VCF-style: chr1-11190629-T-G.
Other names: short protein forms E1857A.
Identifiers: ClinVar variation 1018851 (VCV001018851.12), dbSNP rs1643091373, ClinGen allele CA338398208.